The following is an entry in ClinVar:

NM_001260.3(CDK8):c.381G>A (p.Met127Ile)

Gene: CDK8 (cyclin dependent kinase 8; plus strand). Cytogenetic location: 13q12.13.
Variant type: single nucleotide variant.
Coding change: c.381G>A on transcript NM_001260.3 (MANE Select); coding-DNA position 381, G replaced by A.
Protein change: p.Met127Ile; replaces methionine 127 with isoleucine.
Molecular consequence: missense variant. On other transcripts: 5 prime UTR variant (1).
Genome position (GRCh38, 1-based): chr13:26,353,805, G>A. VCF-style: chr13-26353805-G-A. GRCh37 (hg19) VCF-style: chr13-26927942-G-A.
Other names: c.381G>A, p.Met127Ile (NM_001318368.2); c.-81G>A (NM_001346501.2); short protein forms M127I.
Identifiers: ClinVar variation 2444830 (VCV002444830.1), dbSNP rs2137999357, ClinGen allele CA387683827.

ClinVar aggregate classification (germline): Uncertain significance (1 of 4 stars; one submission).

Submission:

GeneDx
Classification: Uncertain significance. Last evaluated: 2022-09-18. Review status: criteria provided, single submitter. Criteria: GeneDx Variant Classification Process June 2021. Collection method: clinical testing. Allele origin: germline. Affected: yes.
Comment: Not observed at significant frequency in large population cohorts (gnomAD); In silico analysis supports that this missense variant has a deleterious effect on protein structure/function; Has not been previously published as pathogenic or benign to our knowledge